The following is an entry in ClinVar:

NM_000051.4(ATM):c.1403A>C (p.Lys468Thr)

Gene: ATM (ATM serine/threonine kinase; plus strand). Cytogenetic location: 11q22.3.
Variant type: single nucleotide variant.
Coding change: c.1403A>C on transcript NM_000051.4 (MANE Select); coding-DNA position 1403, A replaced by C.
Protein change: p.Lys468Thr; replaces lysine 468 with threonine.
Molecular consequence: missense variant.
Genome position (GRCh38, 1-based): chr11:108,250,868, A>C. VCF-style: chr11-108250868-A-C. GRCh37 (hg19) VCF-style: chr11-108121595-A-C.
Other names: c.1403A>C, p.Lys468Thr (NM_001351834.2); short protein forms K468T.
Identifiers: ClinVar variation 3625223 (VCV003625223.3).
Genomic context (GRCh38, chr11:108,250,868, plus strand): 5'-ATGGGGAACGTACACCATATGTGTTACGATGCCTTACGGAAGTTGCATTGTGTCAAGACA[A>C]GAGGTCAAACCTAGAAAGCTCACAAAAGTCAGATTTATTAAAACTCTGGAATAAAATTTG-3'
Protein context (NP_000042.3, residues 458-478): CLTEVALCQD[Lys468Thr]RSNLESSQKS

ClinVar aggregate classification (germline): Uncertain significance. Review status: criteria provided, multiple submitters, no conflicts (2 of 4 stars). 2 submissions from 2 submitters: Uncertain significance (2). Last evaluated 2025-11-24.

Conditions:
Hereditary cancer-predisposing syndrome. Also called: Neoplastic Syndromes, Hereditary; Tumor predisposition; Hereditary Cancer Syndrome; Hereditary neoplastic syndrome. Identifiers: Orphanet 140162, MedGen C0027672, MeSH D009386, MONDO:0015356.
Ataxia-telangiectasia syndrome (AT). Also called: Ataxia-telangiectasia, complementation group D; AT, COMPLEMENTATION GROUP C; Ataxia-telangiectasia; Ataxia telangiectasia (A-T); Cerebello-oculocutaneous telangiectasia; Immunodeficiency with ataxia telangiectasia. Identifiers: Orphanet 100, MedGen C0004135, MONDO:0008840, OMIM 208900.

gnomAD v4.1: 1 of 1,614,148 alleles (0.000062%); highest among the groups gnomAD compares: South Asian, 0.0011%; no homozygotes.

Submissions (2):

Color Diagnostics, LLC DBA Color Health
Classification: Uncertain significance for Hereditary cancer-predisposing syndrome. Last evaluated: 2025-11-24. Review status: criteria provided, single submitter. Criteria: ACMG Guidelines, 2015. Collection method: clinical testing. Allele origin: germline.
Comment: This missense variant replaces lysine with threonine at codon 468 of the ATM protein. Computational prediction suggests that this variant may not impact protein structure and function. To our knowledge, functional studies have not been reported for this variant. This variant has not been reported in individuals affected with ATM-related disorders in the literature. This variant has been identified in 1/1614148 chromosomes in the general population by the Genome Aggregation Database (gnomAD). The available evidence is insufficient to determine the role of this variant in disease conclusively. Therefore, this variant is classified as a Variant of Uncertain Significance.

Labcorp Genetics (formerly Invitae), Labcorp
Classification: Uncertain significance for Ataxia-telangiectasia syndrome. Last evaluated: 2024-08-22. Review status: criteria provided, single submitter. Criteria: Invitae Variant Classification Sherloc (09022015). Collection method: clinical testing. Allele origin: germline.
Comment: This sequence change replaces lysine, which is basic and polar, with threonine, which is neutral and polar, at codon 468 of the ATM protein (p.Lys468Thr). This variant is not present in population databases (gnomAD no frequency). This variant has not been reported in the literature in individuals affected with ATM-related conditions. An algorithm developed to predict the effect of missense changes on protein structure and function (PolyPhen-2) suggests that this variant is likely to be tolerated. In summary, the available evidence is currently insufficient to determine the role of this variant in disease. Therefore, it has been classified as a Variant of Uncertain Significance.